The following is an entry in ClinVar:

NM_001034850.3(RETREG1):c.1030T>C (p.Ser344Pro)

Gene: RETREG1 (reticulophagy regulator 1; minus strand). Cytogenetic location: 5p15.1.
Variant type: single nucleotide variant.
Coding change: c.1030T>C on transcript NM_001034850.3 (MANE Select); coding-DNA position 1030, T replaced by C.
Protein change: p.Ser344Pro; replaces serine 344 with proline.
Molecular consequence: missense variant.
Genome position (GRCh38, 1-based): chr5:16,475,205, A>G on the plus strand (T>C on the coding strand, the complement: RETREG1 is on the minus strand). VCF-style: chr5-16475205-A-G. GRCh37 (hg19) VCF-style: chr5-16475314-A-G.
Other names: c.607T>C, p.Ser203Pro (NM_019000.5); short protein forms S203P, S344P.
Identifiers: ClinVar variation 1440189 (VCV001440189.8), dbSNP rs762028359, ClinGen allele CA3210253.
Genomic context (GRCh38, chr5:16,475,205, plus strand): 5'-CATCTTCATCATTTGTTCCCATGCCATTTTCTAGAGATGGAAAATCTGAAAGATCTCTAG[A>G]GAAAACTTCCTCACTGGGTCGGTCAAGATCTGTGAAATGGATAACAGAAGTTCAGACTGA-3'
Protein context (NP_001030022.1, residues 334-354): DLDRPSEEVF[Ser344Pro]RDLSDFPSLE

ClinVar aggregate classification (germline): Uncertain significance. Review status: criteria provided, multiple submitters, no conflicts (2 of 4 stars). 2 submissions from 2 submitters: Uncertain significance (2). Last evaluated 2024-04-24.

Conditions:
Inborn genetic diseases. Identifiers: MedGen C0950123, MeSH D030342.

Allele frequency attached by ClinVar (database versions not stated): gnomAD exomes 0.00002 and 0.00003; ExAC 0.00004; TOPMed 0.00005.
gnomAD v4.1: 25 of 1,613,482 alleles (0.0015%); highest among the groups gnomAD compares: East Asian, 0.027%; 1 homozygote.

Submissions (2):

Ambry Genetics
Classification: Uncertain significance for Inborn genetic diseases. Last evaluated: 2024-04-24. Review status: criteria provided, single submitter. Criteria: Ambry Variant Classification Scheme 2023. Collection method: clinical testing. Allele origin: germline.

Labcorp Genetics (formerly Invitae), Labcorp
Classification: Uncertain significance. Last evaluated: 2022-07-29. Review status: criteria provided, single submitter. Criteria: Invitae Variant Classification Sherloc (09022015). Collection method: clinical testing. Allele origin: germline.
Comment: This sequence change replaces serine, which is neutral and polar, with proline, which is neutral and non-polar, at codon 344 of the RETREG1 protein (p.Ser344Pro). This variant is present in population databases (rs762028359, gnomAD 0.03%). This variant has not been reported in the literature in individuals affected with RETREG1-related conditions. ClinVar contains an entry for this variant (Variation ID: 1440189). Algorithms developed to predict the effect of missense changes on protein structure and function are either unavailable or do not agree on the potential impact of this missense change (SIFT: "Deleterious"; PolyPhen-2: "Possibly Damaging"; Align-GVGD: "Class C0"). In summary, the available evidence is currently insufficient to determine the role of this variant in disease. Therefore, it has been classified as a Variant of Uncertain Significance.